The following is an entry in ClinVar:

ClinVar aggregate classification (germline): Benign. Review status: criteria provided, multiple submitters, no conflicts (2 of 4 stars). 2 submissions from 2 submitters: Benign (2). Last evaluated 2018-01-13.

Conditions:
Hennekam lymphangiectasia-lymphedema syndrome 1 (HKLLS1). Also called: LYMPHATIC DYSPLASIA, GENERALIZED. Identifiers: Orphanet 2136, MedGen C4012050, MONDO:0009337, OMIM 235510.

Allele frequency attached by ClinVar (database versions not stated): gnomAD exomes 0.75000; gnomAD 0.82939 and 0.83159; TOPMed 0.83289; 1000 Genomes Project 30x 0.85759; 1000 Genomes Project 0.85982.
gnomAD v4.1: 126,505 of 152,184 alleles (83%); highest among the groups gnomAD compares: South Asian, 91%; 52,715 homozygotes.

Submissions (2):

Illumina Laboratory Services, Illumina
Classification: Benign for Hennekam lymphangiectasia-lymphedema syndrome 1. Last evaluated: 2018-01-13. Review status: criteria provided, single submitter. Criteria: ICSL Variant Classification Criteria 13 December 2019. Collection method: clinical testing. Allele origin: germline.
Comment: This variant was observed in the ICSL laboratory as part of a predisposition screen in an ostensibly healthy population. It had not been previously curated by ICSL or reported in the Human Gene Mutation Database (HGMD: prior to June 1st, 2018), and was therefore a candidate for classification through an automated scoring system. Utilizing variant allele frequency, disease prevalence and penetrance estimates, and inheritance mode, an automated score was calculated to assess if this variant is too frequent to cause the disease. Based on the score and internal cut-off values, a variant classified as benign is not then subjected to further curation. The score for this variant resulted in a classification of benign for this disease.

Breakthrough Genomics
Classification: Benign. Review status: criteria provided, single submitter. Criteria: ACMG Guidelines, 2015. Collection method: not provided. Allele origin: germline. Inheritance: Autosomal recessive inheritance. Affected: yes.

NM_133459.4(CCBE1):c.*4749C>T

Gene: CCBE1 (collagen and calcium binding EGF domains 1; minus strand). Cytogenetic location: 18q21.32.
Variant type: single nucleotide variant.
Coding change: c.*4749C>T on transcript NM_133459.4 (MANE Select); 4749 bases downstream of the stop codon, C replaced by T.
Molecular consequence: 3 prime UTR variant.
Genome position (GRCh38, 1-based): chr18:59,431,159, G>A on the plus strand (C>T on the coding strand, the complement: CCBE1 is on the minus strand). VCF-style: chr18-59431159-G-A. GRCh37 (hg19) VCF-style: chr18-57098391-G-A.
Other names: c.*4749C>T (LRG_1209t1).
Identifiers: ClinVar variation 327591 (VCV000327591.6), dbSNP rs1048006, ClinGen allele CA10652006.
Genomic context (GRCh38, chr18:59,431,159, plus strand): 5'-AAAAACAGACCCACGGCACACATGAAATTCCTAAGGGGACTTGCTTTGATCCCCTGGGGA[G>A]TAAGAGGGTCCTTTTCTATGATTTCCCTAGAGCAGTAACGTTTGTTGAGGGAGCATGTGA-3'